The following is an entry in ClinVar:

NM_033409.4(SLC52A3):c.281A>G (p.Asn94Ser)

Gene: SLC52A3 (solute carrier family 52 member 3; minus strand). Cytogenetic location: 20p13.
Variant type: single nucleotide variant.
Coding change: c.281A>G on transcript NM_033409.4 (MANE Select); coding-DNA position 281, A replaced by G.
Protein change: p.Asn94Ser; replaces asparagine 94 with serine.
Molecular consequence: missense variant.
Genome position (GRCh38, 1-based): chr20:765,494, T>C on the plus strand (A>G on the coding strand, the complement: SLC52A3 is on the minus strand). VCF-style: chr20-765494-T-C. GRCh37 (hg19) VCF-style: chr20-746138-T-C.
Other names: c.281A>G, p.Asn94Ser (NM_001370085.1, NM_001370086.1); short protein forms N94S.
Identifiers: ClinVar variation 1796413 (VCV001796413.7), dbSNP rs1986651086, ClinGen allele CA407964171.

ClinVar aggregate classification (germline): Uncertain significance. Review status: criteria provided, multiple submitters, no conflicts (2 of 4 stars). 2 submissions from 2 submitters: Uncertain significance (2). Last evaluated 2022-07-12.

Conditions:
Brown-Vialetto-van Laere syndrome 1. Also called: BULBAR PALSY, PROGRESSIVE, WITH SENSORINEURAL DEAFNESS; PONTOBULBAR PALSY WITH DEAFNESS; BROWN-VIALETTO-VAN LAERE SYNDROME 1, MILD. Identifiers: Orphanet 572550, Orphanet 97229, MedGen C0796274, MONDO:0024537, OMIM 211530.
Inborn genetic diseases. Identifiers: MedGen C0950123, MeSH D030342.

Submissions (2):

Labcorp Genetics (formerly Invitae), Labcorp
Classification: Uncertain significance for Brown-Vialetto-van Laere syndrome 1. Last evaluated: 2022-07-12. Review status: criteria provided, single submitter. Criteria: Invitae Variant Classification Sherloc (09022015). Collection method: clinical testing. Allele origin: germline.
Comment: This sequence change replaces asparagine, which is neutral and polar, with serine, which is neutral and polar, at codon 94 of the SLC52A3 protein (p.Asn94Ser). This variant is not present in population databases (gnomAD no frequency). This variant has not been reported in the literature in individuals affected with SLC52A3-related conditions. Algorithms developed to predict the effect of missense changes on protein structure and function output the following: SIFT: "Tolerated"; PolyPhen-2: "Benign"; Align-GVGD: "Class C0". The serine amino acid residue is found in multiple mammalian species, which suggests that this missense change does not adversely affect protein function. In summary, the available evidence is currently insufficient to determine the role of this variant in disease. Therefore, it has been classified as a Variant of Uncertain Significance.

Ambry Genetics
Classification: Uncertain significance for Inborn genetic diseases. Last evaluated: 2020-12-09. Review status: criteria provided, single submitter. Criteria: Ambry Variant Classification Scheme 2023. Collection method: clinical testing. Allele origin: germline.
Comment: The p.N94S variant (also known as c.281A>G), located in coding exon 1 of the SLC52A3 gene, results from an A to G substitution at nucleotide position 281. The asparagine at codon 94 is replaced by serine, an amino acid with highly similar properties. This amino acid position is not well conserved in available vertebrate species. In addition, this alteration is predicted to be tolerated by in silico analysis. Since supporting evidence is limited at this time, the clinical significance of this alteration remains unclear.